The following is an entry in ClinVar:

NM_000091.5(COL4A3):c.3248G>A (p.Gly1083Glu)

Genes: COL4A3 (collagen type IV alpha 3 chain; plus strand), MFF-DT (MFF divergent transcript; minus strand). Cytogenetic location: 2q36.3.
Variant type: single nucleotide variant.
Coding change: c.3248G>A on transcript NM_000091.5 (MANE Select); coding-DNA position 3248, G replaced by A.
Protein change: p.Gly1083Glu; replaces glycine 1083 with glutamic acid.
Molecular consequence: missense variant.
Genome position (GRCh38, 1-based): chr2:227,293,228, G>A. VCF-style: chr2-227293228-G-A. GRCh37 (hg19) VCF-style: chr2-228157944-G-A.
Other names: short protein forms G1083E.
Identifiers: ClinVar variation 3586096 (VCV003586096.2).
Genomic context (GRCh38, chr2:227,293,228, plus strand): 5'-AAAGGTATTTGACTACATTTAAGGGGGATCCAGGACTGCCGGGTGATATGGGAAAGAAAG[G>A]AGAAATGGGGCAACCTGGCCCACCTGGACATTTGGGGCCTGCTGGACCTGAGGGAGCCCC-3'
Protein context (NP_000082.2, residues 1073-1093): PGLPGDMGKK[Gly1083Glu]EMGQPGPPGH

ClinVar aggregate classification (germline): Likely pathogenic. Review status: criteria provided, multiple submitters, no conflicts (2 of 4 stars). 2 submissions from 2 submitters: Likely pathogenic (2). Last evaluated 2025-08-22.

Conditions:
Autosomal dominant Alport syndrome (ATS3A). Also called: Alport syndrome dominant type; Renal failure and sensorineural hearing loss; ALPORT SYNDROME 3A, AUTOSOMAL DOMINANT. Identifiers: Orphanet 63, Orphanet 88918, MedGen C5882663, MONDO:0007086, OMIM 104200.
Hematuria, benign familial, 2 (BFH2). Identifiers: MedGen C5830421, MONDO:0958186, OMIM 620320.
Alport syndrome 3b, autosomal recessive. Identifiers: MedGen C5882699, MONDO:0957811, OMIM 620536.
Alport syndrome. Also called: Hemorrhagic familial nephritis; Hemorrhagic hereditary nephritis; Congenital hereditary hematuria. Identifiers: Orphanet 63, MedGen C1567741, MONDO:0018965.

Submissions (2):

Natera, Inc.
Classification: Likely pathogenic for Alport syndrome. Last evaluated: 2025-08-22. Review status: criteria provided, single submitter. Criteria: Natera Variant Classification Schema (03/2026). Collection method: clinical testing. Allele origin: germline.
Comment: The c.3248G>A variant in COL4A3 is a missense variant predicted to cause substitution of glycine to glutamic acid at amino acid 1083. This variant is rare in the general population with a frequency below the threshold expected for the associated phenotype(s). This variant is located in a functionally critical region of the protein. Computational prediction algorithms indicate this variant is likely to affect gene or protein function. Given the available evidence, this variant is classified as Likely Pathogenic.

Fulgent Genetics
Classification: Likely pathogenic for Autosomal dominant Alport syndrome; Hematuria, benign familial, 2; Alport syndrome 3b, autosomal recessive. Last evaluated: 2024-03-25. Review status: criteria provided, single submitter. Criteria: ACMG Guidelines, 2015. Collection method: clinical testing. Allele origin: germline.